The following is an entry in ClinVar:

ClinVar aggregate classification (germline): Uncertain significance (1 of 4 stars; one submission).

Submission:

Labcorp Genetics (formerly Invitae), Labcorp
Classification: Uncertain significance. Last evaluated: 2023-06-10. Review status: criteria provided, single submitter. Criteria: Invitae Variant Classification Sherloc (09022015). Collection method: clinical testing. Allele origin: germline.
Comment: In summary, the available evidence is currently insufficient to determine the role of this variant in disease. Therefore, it has been classified as a Variant of Uncertain Significance. Variants that disrupt the consensus splice site are a relatively common cause of aberrant splicing (PMID: 17576681, 9536098). Algorithms developed to predict the effect of sequence changes on RNA splicing suggest that this variant may create or strengthen a splice site. ClinVar contains an entry for this variant (Variation ID: 1899410). This variant has not been reported in the literature in individuals affected with COL11A1-related conditions. This variant is present in population databases (rs768556720, gnomAD 0.01%). This sequence change falls in intron 47 of the COL11A1 gene. It does not directly change the encoded amino acid sequence of the COL11A1 protein. It affects a nucleotide within the consensus splice site.

Literature cited by the submitters: PubMed 17576681; PubMed 9536098.

NM_001854.4(COL11A1):c.3654+4dup

Gene: COL11A1 (collagen type XI alpha 1 chain; minus strand). Cytogenetic location: 1p21.1.
Variant type: Duplication.
Coding change: c.3654+4dup on transcript NM_001854.4 (MANE Select); 4 bases into the intron after coding-DNA position 3654, one base duplicated (A; older notation c.3654+4dupA).
Molecular consequence: intron variant.
Genome position (GRCh38, 1-based): chr1:102,923,332, T duplicated on the plus strand (A on the coding strand, the reverse complement: COL11A1 is on the minus strand); the first of 2 consecutive T bases (chr1:102,923,332-102,923,333); duplicating either gives the same sequence. VCF-style (leftmost placement, unchanged base first): chr1-102923331-C-CT. GRCh37 (hg19) VCF-style: chr1-103388887-C-CT.
Other names: c.3537+4dup (NM_001190709.2); c.3690+4dup (NM_080629.3); c.3306+4dup (NM_080630.4).
Identifiers: ClinVar variation 1899410 (VCV001899410.5), dbSNP rs768556720, ClinGen allele CA973916.